The following is an entry in ClinVar:

ClinVar aggregate classification (germline): Benign/Likely benign. Review status: criteria provided, multiple submitters, no conflicts (2 of 4 stars). 9 submissions from 9 submitters: Benign (7); Likely benign (2). Last evaluated 2026-06-01.

Conditions:
Microcephalic osteodysplastic primordial dwarfism type II (MOPD2). Also called: MOPD II; OSTEODYSPLASTIC PRIMORDIAL DWARFISM, TYPE II; Microcephalic osteodysplastic primordial dwarfism with tooth abnormalities. Identifiers: Orphanet 2637, MedGen C0432246, MONDO:0008872, OMIM 210720.

Allele frequency attached by ClinVar (database versions not stated): 1000 Genomes Project 0.00459; 1000 Genomes Project 30x 0.00468; gnomAD 0.00593 and 0.00640; gnomAD exomes 0.00137 and 0.00289; ExAC 0.00286; ESP Exome Variant Server 0.00677; TOPMed 0.00697.
gnomAD v4.1: 3,040 of 1,608,660 alleles (0.19%); highest among the groups gnomAD compares: African/African-American, 1.5%; 23 homozygotes.

Submissions (9):

CeGaT Center for Human Genetics Tuebingen
Classification: Benign. Last evaluated: 2026-06-01. Review status: criteria provided, single submitter. Criteria: CeGaT Center For Human Genetics Tuebingen Variant Classification Criteria Version 2. Collection method: clinical testing. Allele origin: germline. Affected: yes. Observed: 4 variant alleles.
Comment: PCNT: BP4, BS1, BS2

Labcorp Genetics (formerly Invitae), Labcorp
Classification: Benign. Last evaluated: 2026-01-31. Review status: criteria provided, single submitter. Criteria: Invitae Variant Classification Sherloc (09022015). Collection method: clinical testing. Allele origin: germline.

Genomic Medicine Center of Excellence, King Faisal Specialist Hospital and Research Centre
Classification: Likely benign. Last evaluated: 2025-08-18. Review status: criteria provided, single submitter. Criteria: ACMG Guidelines, 2015. Collection method: clinical testing. Allele origin: germline.

Blueprint Genetics
Classification: Likely benign. Last evaluated: 2024-11-20. Review status: criteria provided, single submitter. Criteria: ACMG Guidelines, 2015. Collection method: clinical testing. Allele origin: germline.

ARUP Laboratories, Molecular Genetics and Genomics, ARUP Laboratories
Classification: Benign for Microcephalic osteodysplastic primordial dwarfism type II. Last evaluated: 2024-10-23. Review status: criteria provided, single submitter. Criteria: ARUP Molecular Germline Variant Investigation Process 2024. Collection method: clinical testing. Allele origin: germline.

GeneDx
Classification: Benign. Last evaluated: 2020-02-07. Review status: criteria provided, single submitter. Criteria: GeneDx Variant Classification Process June 2021. Collection method: clinical testing. Allele origin: germline. Affected: yes.

Illumina Laboratory Services, Illumina
Classification: Benign for Microcephalic osteodysplastic primordial dwarfism type II. Last evaluated: 2018-01-13. Review status: criteria provided, single submitter. Criteria: ICSL Variant Classification Criteria 13 December 2019. Collection method: clinical testing. Allele origin: germline.
Comment: This variant was observed in the ICSL laboratory as part of a predisposition screen in an ostensibly healthy population. It had not been previously curated by ICSL or reported in the Human Gene Mutation Database (HGMD: prior to June 1st, 2018), and was therefore a candidate for classification through an automated scoring system. Utilizing variant allele frequency, disease prevalence and penetrance estimates, and inheritance mode, an automated score was calculated to assess if this variant is too frequent to cause the disease. Based on the score and internal cut-off values, a variant classified as benign is not then subjected to further curation. The score for this variant resulted in a classification of benign for this disease.

Genetic Services Laboratory, University of Chicago
Classification: Benign. Last evaluated: 2013-03-04. Review status: criteria provided, single submitter. Criteria: ACMG Guidelines, 2007. Collection method: clinical testing. Allele origin: germline. Inheritance: Autosomal recessive inheritance.

Breakthrough Genomics
Classification: Benign. Review status: criteria provided, single submitter. Criteria: ACMG Guidelines, 2015. Collection method: not provided. Allele origin: germline. Inheritance: Autosomal recessive inheritance. Affected: yes.

NM_006031.6(PCNT):c.6986C>G (p.Pro2329Arg)

Gene: PCNT (pericentrin; plus strand). Cytogenetic location: 21q22.3.
Variant type: single nucleotide variant.
Coding change: c.6986C>G on transcript NM_006031.6 (MANE Select); coding-DNA position 6986, C replaced by G.
Protein change: p.Pro2329Arg; replaces proline 2329 with arginine.
Molecular consequence: missense variant.
Genome position (GRCh38, 1-based): chr21:46,418,268, C>G. VCF-style: chr21-46418268-C-G. GRCh37 (hg19) VCF-style: chr21-47838182-C-G.
Other names: c.6632C>G, p.Pro2211Arg (NM_001315529.2); short protein forms P2329R, P2211R.
Identifiers: ClinVar variation 159647 (VCV000159647.33), dbSNP rs35848602, ClinGen allele CA173070.